The following is an entry in ClinVar:

ClinVar aggregate classification (germline): Uncertain significance. Review status: criteria provided, multiple submitters, no conflicts (2 of 4 stars). 3 submissions from 3 submitters: Uncertain significance (2). 1 of the submissions does not count toward it. Last evaluated 2025-12-17.

Conditions:
Pulmonary fibrosis and/or bone marrow failure, Telomere-related, 3. Also called: PULMONARY FIBROSIS AND/OR BONE MARROW FAILURE SYNDROME, TELOMERE-RELATED, 3. Identifiers: Orphanet 2032, MedGen C4225346, MONDO:0014613, OMIM 616373.
Dyskeratosis congenita, autosomal recessive 5 (DKCB5). Identifiers: MedGen C3554656, MONDO:0014076, OMIM 615190.
Dyskeratosis congenita. Identifiers: Orphanet 1775, MedGen C0265965, MONDO:0015780.

Allele frequency attached by ClinVar (database versions not stated): ExAC 0.00001; gnomAD 0.00001; gnomAD exomes 0.00002; TOPMed 0.00002; ESP Exome Variant Server 0.00008.
gnomAD v4.1: 24 of 1,611,490 alleles (0.0015%); highest among the groups gnomAD compares: Non-Finnish European, 0.0019%; no homozygotes.

Submissions (3):

Labcorp Genetics (formerly Invitae), Labcorp
Classification: Uncertain significance for Dyskeratosis congenita, autosomal recessive 5; Pulmonary fibrosis and/or bone marrow failure, Telomere-related, 3. Last evaluated: 2025-12-17. Review status: criteria provided, single submitter. Criteria: Invitae Variant Classification Sherloc (09022015). Collection method: clinical testing. Allele origin: germline.
Comment: This sequence change replaces proline, which is neutral and non-polar, with serine, which is neutral and polar, at codon 1050 of the RTEL1 protein (p.Pro1050Ser). The frequency data for this variant in the population databases is considered unreliable, as metrics indicate poor data quality at this position in the gnomAD database. This variant has not been reported in the literature in individuals affected with RTEL1-related conditions. ClinVar contains an entry for this variant (Variation ID: 971211). An algorithm developed to predict the effect of missense changes on protein structure and function (PolyPhen-2) suggests that this variant is likely to be tolerated. In summary, the available evidence is currently insufficient to determine the role of this variant in disease. Therefore, it has been classified as a Variant of Uncertain Significance.

Mayo Clinic Laboratories, Mayo Clinic
Classification: Uncertain significance. Last evaluated: 2021-01-28. Review status: criteria provided, single submitter. Criteria: ACMG Guidelines, 2015. Collection method: clinical testing. Allele origin: germline. Observed: 1 variant allele.

Natera, Inc.
Classification: Uncertain significance for Dyskeratosis congenita. Last evaluated: 2020-02-26. Review status: no assertion criteria provided. Collection method: clinical testing. Allele origin: germline. Not counted in ClinVar's aggregate classification.

NM_001283009.2(RTEL1):c.3148C>T (p.Pro1050Ser)

Genes: RTEL1 (regulator of telomere elongation helicase 1; plus strand), RTEL1-TNFRSF6B (RTEL1-TNFRSF6B readthrough (NMD candidate); plus strand). Cytogenetic location: 20q13.33.
Variant type: single nucleotide variant.
Coding change: c.3148C>T on transcript NM_001283009.2 (MANE Select); coding-DNA position 3148, C replaced by T.
Protein change: p.Pro1050Ser; replaces proline 1050 with serine.
Molecular consequence: missense variant. On other transcripts: non-coding transcript variant (1).
Genome position (GRCh38, 1-based): chr20:63,694,779, C>T. VCF-style: chr20-63694779-C-T. GRCh37 (hg19) VCF-style: chr20-62326132-C-T.
Other names: c.2479C>T, p.Pro827Ser (NM_001283010.1); c.3148C>T, p.Pro1050Ser (NM_016434.4); c.3220C>T, p.Pro1074Ser (NM_032957.5); short protein forms P1050S, P1074S, P827S.
Identifiers: ClinVar variation 971211 (VCV000971211.11), dbSNP rs368303890, ClinGen allele CA9965888.